The following is an entry in ClinVar:

ClinVar aggregate classification (germline): Uncertain significance (1 of 4 stars; one submission).

Submission:

Labcorp Genetics (formerly Invitae), Labcorp
Classification: Uncertain significance. Last evaluated: 2025-11-16. Review status: criteria provided, single submitter. Criteria: Invitae Variant Classification Sherloc (09022015). Collection method: clinical testing. Allele origin: germline.
Comment: This sequence change replaces methionine, which is neutral and non-polar, with leucine, which is neutral and non-polar, at codon 121 of the NPPC protein (p.Met121Leu). This variant is not present in population databases (gnomAD no frequency). This variant has not been reported in the literature in individuals affected with NPPC-related conditions. An algorithm developed to predict the effect of missense changes on protein structure and function (PolyPhen-2) suggests that this variant is likely to be tolerated. In summary, the available evidence is currently insufficient to determine the role of this variant in disease. Therefore, it has been classified as a Variant of Uncertain Significance.

NM_024409.4(NPPC):c.361A>T (p.Met121Leu)

Gene: NPPC (natriuretic peptide C; minus strand). Cytogenetic location: 2q37.1.
Variant type: single nucleotide variant.
Coding change: c.361A>T on transcript NM_024409.4 (MANE Select); coding-DNA position 361, A replaced by T.
Protein change: p.Met121Leu; replaces methionine 121 with leucine.
Molecular consequence: missense variant.
Genome position (GRCh38, 1-based): chr2:231,925,445, T>A on the plus strand (A>T on the coding strand, the complement: NPPC is on the minus strand). VCF-style: chr2-231925445-T-A. GRCh37 (hg19) VCF-style: chr2-232790155-T-A.
Other names: short protein forms M121L.
Identifiers: ClinVar variation 4806461 (VCV004806461.1).